The following is an entry in ClinVar:

NM_005477.3(HCN4):c.136A>G (p.Arg46Gly)

Gene: HCN4 (hyperpolarization activated cyclic nucleotide gated potassium channel 4; minus strand). Cytogenetic location: 15q24.1.
Variant type: single nucleotide variant.
Coding change: c.136A>G on transcript NM_005477.3 (MANE Select); coding-DNA position 136, A replaced by G.
Protein change: p.Arg46Gly; replaces arginine 46 with glycine.
Molecular consequence: missense variant.
Genome position (GRCh38, 1-based): chr15:73,368,135, T>C on the plus strand (A>G on the coding strand, the complement: HCN4 is on the minus strand). VCF-style: chr15-73368135-T-C. GRCh37 (hg19) VCF-style: chr15-73660476-T-C.
Other names: short protein forms R46G.
Identifiers: ClinVar variation 2090125 (VCV002090125.4), dbSNP rs2549080654, ClinGen allele CA393098913.

ClinVar aggregate classification (germline): Uncertain significance (1 of 4 stars; one submission).

Conditions:
Brugada syndrome 8 (BRGDA8). Identifiers: Orphanet 130, MedGen C2751083, MONDO:0013148, OMIM 613123.

Submission:

Labcorp Genetics (formerly Invitae), Labcorp
Classification: Uncertain significance for Brugada syndrome 8. Last evaluated: 2024-10-25. Review status: criteria provided, single submitter. Criteria: Invitae Variant Classification Sherloc (09022015). Collection method: clinical testing. Allele origin: germline.
Comment: This sequence change replaces arginine, which is basic and polar, with glycine, which is neutral and non-polar, at codon 46 of the HCN4 protein (p.Arg46Gly). This variant is not present in population databases (gnomAD no frequency). This variant has not been reported in the literature in individuals affected with HCN4-related conditions. ClinVar contains an entry for this variant (Variation ID: 2090125). Invitae Evidence Modeling of protein sequence and biophysical properties (such as structural, functional, and spatial information, amino acid conservation, physicochemical variation, residue mobility, and thermodynamic stability) indicates that this missense variant is not expected to disrupt HCN4 protein function with a negative predictive value of 95%. In summary, the available evidence is currently insufficient to determine the role of this variant in disease. Therefore, it has been classified as a Variant of Uncertain Significance.